The following is an entry in ClinVar:

ClinVar aggregate classification (germline): Benign/Likely benign. Review status: criteria provided, multiple submitters, no conflicts (2 of 4 stars). 10 submissions from 10 submitters: Benign (7); Likely benign (1). 2 of the submissions do not count toward it. Last evaluated 2026-02-03.

Conditions:
Anemia, congenital dyserythropoietic, type 1a (CDAN1A). Also called: CDAN1-Related Congenital Dyserythropoietic Anemia; DYSERYTHROPOIETIC ANEMIA, CONGENITAL, TYPE Ia. Identifiers: MedGen C5574667, MONDO:0009135, OMIM 224120.
Congenital dyserythropoietic anemia, type I. Also called: Dyserythropoietic anemia, congenital type 1. Identifiers: Orphanet 98869, MedGen C0271933, MONDO:0020337. Disease mechanism: loss of function.

Allele frequency attached by ClinVar (database versions not stated): gnomAD exomes 0.22516 and 0.22509; ExAC 0.24716; TOPMed 0.25707; 1000 Genomes Project 0.26058; gnomAD 0.26263 and 0.26335; 1000 Genomes Project 30x 0.26765; ESP Exome Variant Server 0.26875.
gnomAD v4.1: 368,714 of 1,611,732 alleles (23%); highest among the groups gnomAD compares: African/African-American, 40%; 45,844 homozygotes.

Submissions (10):

Labcorp Genetics (formerly Invitae), Labcorp
Classification: Benign. Last evaluated: 2026-02-03. Review status: criteria provided, single submitter. Criteria: Invitae Variant Classification Sherloc (09022015). Collection method: clinical testing. Allele origin: germline.

ARUP Laboratories, Molecular Genetics and Genomics, ARUP Laboratories
Classification: Benign for Anemia, congenital dyserythropoietic, type 1a. Last evaluated: 2025-07-31. Review status: criteria provided, single submitter. Criteria: ARUP Molecular Germline Variant Investigation Process 2024. Collection method: clinical testing. Allele origin: germline.

Blueprint Genetics
Classification: Likely benign. Last evaluated: 2024-11-27. Review status: criteria provided, single submitter. Criteria: ACMG Guidelines, 2015. Collection method: clinical testing. Allele origin: germline.

Mayo Clinic Laboratories, Mayo Clinic
Classification: Benign. Last evaluated: 2022-09-06. Review status: criteria provided, single submitter. Criteria: ACMG Guidelines, 2015. Collection method: clinical testing. Allele origin: germline. Observed: 847 variant alleles.

GeneDx
Classification: Benign. Last evaluated: 2021-05-04. Review status: criteria provided, single submitter. Criteria: GeneDx Variant Classification Process June 2021. Collection method: clinical testing. Allele origin: germline. Affected: yes.

Illumina Laboratory Services, Illumina
Classification: Benign for Anemia, congenital dyserythropoietic, type 1a. Last evaluated: 2018-01-13. Review status: criteria provided, single submitter. Criteria: ICSL Variant Classification Criteria 13 December 2019. Collection method: clinical testing. Allele origin: germline.
Comment: This variant was observed in the ICSL laboratory as part of a predisposition screen in an ostensibly healthy population. It had not been previously curated by ICSL or reported in the Human Gene Mutation Database (HGMD: prior to June 1st, 2018), and was therefore a candidate for classification through an automated scoring system. Utilizing variant allele frequency, disease prevalence and penetrance estimates, and inheritance mode, an automated score was calculated to assess if this variant is too frequent to cause the disease. Based on the score and internal cut-off values, a variant classified as benign is not then subjected to further curation. The score for this variant resulted in a classification of benign for this disease.

Breakthrough Genomics
Classification: Benign. Review status: criteria provided, single submitter. Criteria: ACMG Guidelines, 2015. Collection method: not provided. Allele origin: germline. Inheritance: Autosomal recessive inheritance. Affected: yes.

PreventionGenetics, part of Exact Sciences
Classification: Benign. Review status: criteria provided, single submitter. Criteria: ACMG Guidelines, 2015. Collection method: clinical testing. Allele origin: germline.

Diagnostic Laboratory, Department of Genetics, University Medical Center Groningen
Classification: Benign. Review status: no assertion criteria provided. Collection method: clinical testing. Allele origin: germline. Affected: yes. Study: VKGL Data-share Consensus. Not counted in ClinVar's aggregate classification.

Joint Genome Diagnostic Labs from Nijmegen and Maastricht, Radboudumc and MUMC+
Classification: Benign. Review status: no assertion criteria provided. Collection method: clinical testing. Allele origin: germline. Affected: yes. Study: VKGL Data-share Consensus. Not counted in ClinVar's aggregate classification.

NM_138477.4(CDAN1):c.477C>T (p.Pro159=)

Genes: CDAN1 (codanin 1; minus strand), LOC130056931 (ATAC-STARR-seq lymphoblastoid silent region 6376; plus strand). Cytogenetic location: 15q15.2.
Variant type: single nucleotide variant.
Coding change: c.477C>T on transcript NM_138477.4 (MANE Select); coding-DNA position 477, C replaced by T.
Protein change: p.Pro159=; no amino-acid change (proline 159 retained).
Molecular consequence: synonymous variant.
Genome position (GRCh38, 1-based): chr15:42,736,394, G>A on the plus strand (C>T on the coding strand, the complement: CDAN1 is on the minus strand). VCF-style: chr15-42736394-G-A. GRCh37 (hg19) VCF-style: chr15-43028592-G-A.
Other names: p.Pro159=; c.477C>T, p.Pro159= (LRG_1164t1).
Identifiers: ClinVar variation 262378 (VCV000262378.35), dbSNP rs7167392, ClinGen allele CA7516403.